The following is an entry in ClinVar:

ClinVar aggregate classification (germline): Pathogenic (1 of 4 stars; one submission).

Conditions:
Hereditary breast ovarian cancer syndrome. Also called: Hereditary breast and ovarian cancer syndrome (HBOC); Hereditary breast and/or ovarian cancer syndrome; Hereditary breast and ovarian cancer; BRCA1- and BRCA2-Associated Hereditary Breast and Ovarian Cancer; Hereditary breast and ovarian cancer syndrome; Breast and ovarian cancer. Identifiers: Orphanet 145, MedGen C0677776, MeSH D061325, MONDO:0003582. Disease mechanism: loss of function.

Submission:

Labcorp Genetics (formerly Invitae), Labcorp
Classification: Pathogenic for Hereditary breast ovarian cancer syndrome. Last evaluated: 2020-12-30. Review status: criteria provided, single submitter. Criteria: Invitae Variant Classification Sherloc (09022015). Collection method: clinical testing. Allele origin: germline.
Comment: This variant has not been reported in the literature in individuals with BRCA2-related conditions. This variant is not present in population databases (ExAC no frequency). This sequence change creates a premature translational stop signal (p.Thr2517Lysfs*10) in the BRCA2 gene. It is expected to result in an absent or disrupted protein product. Loss-of-function variants in BRCA2 are known to be pathogenic (PMID: 20104584). For these reasons, this variant has been classified as Pathogenic.

Literature cited by the submitters: PubMed 20104584.

NM_000059.4(BRCA2):c.7542_7549dup (p.Thr2517fs)

Gene: BRCA2 (BRCA2 DNA repair associated; plus strand). Cytogenetic location: 13q13.1.
Variant type: Duplication.
Coding change: c.7542_7549dup on transcript NM_000059.4 (MANE Select); coding-DNA positions 7542 to 7549, 8 bases duplicated (AACATCCA; older notation c.7542_7549dupAACATCCA).
Protein change: p.Thr2517fs; shifts the reading frame from threonine 2517.
Molecular consequence: frameshift variant.
Genome position (GRCh38, 1-based): chr13:32,356,534-32,356,541, AACATCCA duplicated; duplicating any 8 consecutive bases within chr13:32,356,533-32,356,541 gives the same sequence; the c. name uses the placement nearest the transcript's 3' end. VCF-style (leftmost placement, unchanged base first): chr13-32356532-A-AAAACATCC. GRCh37 (hg19) VCF-style: chr13-32930669-A-AAAACATCC.
Other names: short protein forms T2517fs.
Identifiers: ClinVar variation 1072192 (VCV001072192.7), dbSNP rs2137562799, ClinGen allele CA2499222294.